The following is an entry in ClinVar:

NM_212550.5(BLOC1S3):c.310C>T (p.Pro104Ser)

Gene: BLOC1S3 (biogenesis of lysosomal organelles complex 1 subunit 3; plus strand). Cytogenetic location: 19q13.32.
Variant type: single nucleotide variant.
Coding change: c.310C>T on transcript NM_212550.5 (MANE Select); coding-DNA position 310, C replaced by T.
Protein change: p.Pro104Ser; replaces proline 104 with serine.
Molecular consequence: missense variant.
Genome position (GRCh38, 1-based): chr19:45,179,606, C>T. VCF-style: chr19-45179606-C-T. GRCh37 (hg19) VCF-style: chr19-45682864-C-T.
Other names: c.310C>T (NM_212550.3); short protein forms P104S.
Identifiers: ClinVar variation 1391429 (VCV001391429.5), dbSNP rs1443188282, ClinGen allele CA406344559.

ClinVar aggregate classification (germline): Uncertain significance. Review status: criteria provided, multiple submitters, no conflicts (2 of 4 stars). 3 submissions from 3 submitters: Uncertain significance (3). Last evaluated 2026-01-12.

Conditions:
Inborn genetic diseases. Identifiers: MedGen C0950123, MeSH D030342.

Allele frequency attached by ClinVar (database versions not stated): gnomAD 0.00002; gnomAD exomes 0.00002; TOPMed 0.00002.

Submissions (3):

Women's Health and Genetics/Laboratory Corporation of America, LabCorp
Classification: Uncertain significance. Last evaluated: 2026-01-12. Review status: criteria provided, single submitter. Criteria: LabCorp Variant Classification Summary - May 2015. Collection method: clinical testing. Allele origin: germline.
Comment: Variant summary: BLOC1S3 c.310C>T (p.Pro104Ser) results in a non-conservative amino acid change in the encoded protein sequence. Algorithms developed to predict the effect of missense changes on protein structure and function are either unavailable or do not agree on the potential impact of this missense change. The variant allele was found at a frequency of 1.8e-05 in 1473450 control chromosomes in the gnomAD database, including 1 homozygote. This frequency is not significantly higher than estimated for disease-causing variants in BLOC1S3, allowing no conclusion about variant significance. To our knowledge, no occurrence of c.310C>T in individuals affected with BLOC1S3-related conditions and no experimental evidence demonstrating its impact on protein function have been reported. ClinVar contains an entry for this variant (Variation ID: 1391429). Based on the evidence outlined above, the variant was classified as uncertain significance.

Ambry Genetics
Classification: Uncertain significance for Inborn genetic diseases. Last evaluated: 2024-05-06. Review status: criteria provided, single submitter. Criteria: Ambry Variant Classification Scheme 2023. Collection method: clinical testing. Allele origin: germline.

Labcorp Genetics (formerly Invitae), Labcorp
Classification: Uncertain significance. Last evaluated: 2021-10-21. Review status: criteria provided, single submitter. Criteria: Invitae Variant Classification Sherloc (09022015). Collection method: clinical testing. Allele origin: germline.
Comment: This sequence change replaces proline with serine at codon 104 of the BLOC1S3 protein (p.Pro104Ser). The proline residue is moderately conserved and there is a moderate physicochemical difference between proline and serine. The frequency data for this variant in the population databases is considered unreliable, as metrics indicate insufficient coverage at this position in the ExAC database. This variant has not been reported in the literature in individuals affected with BLOC1S3-related conditions. Algorithms developed to predict the effect of missense changes on protein structure and function are either unavailable or do not agree on the potential impact of this missense change (SIFT: "Tolerated"; PolyPhen-2: "Probably Damaging"; Align-GVGD: "Class C0"). In summary, the available evidence is currently insufficient to determine the role of this variant in disease. Therefore, it has been classified as a Variant of Uncertain Significance.